The following is an entry in ClinVar:

NM_000516.7(GNAS):c.1136G>A (p.Cys379Tyr)

Gene: GNAS (GNAS complex locus; plus strand). Cytogenetic location: 20q13.32.
Variant type: single nucleotide variant.
Coding change: c.1136G>A on transcript NM_000516.7 (MANE Select); coding-DNA position 1136, G replaced by A.
Protein change: p.Cys379Tyr; replaces cysteine 379 with tyrosine.
Molecular consequence: missense variant. On other transcripts: 3 prime UTR variant (2).
Genome position (GRCh38, 1-based): chr20:58,910,780, G>A. VCF-style: chr20-58910780-G-A. GRCh37 (hg19) VCF-style: chr20-57485835-G-A.
Other names: c.1139G>A, p.Cys380Tyr (NM_001077488.5); c.1091G>A, p.Cys364Tyr (NM_001077489.4); c.*997G>A (NM_001077490.3); c.959G>A, p.Cys320Tyr (NM_001309840.2, NM_001309861.2); c.*1042G>A (NM_016592.5); c.3065G>A, p.Cys1022Tyr (NM_080425.4); c.1094G>A, p.Cys365Tyr (NM_080426.4); short protein forms C379Y, C380Y, C364Y, C1022Y, C320Y, C365Y.
Identifiers: ClinVar variation 422467 (VCV000422467.2), dbSNP rs1064795798, ClinGen allele CA16620945.

ClinVar aggregate classification (germline): Likely pathogenic (1 of 4 stars; one submission).

Submission:

GeneDx
Classification: Likely pathogenic. Last evaluated: 2016-10-05. Review status: criteria provided, single submitter. Criteria: GeneDx Variant Classification (06012015). Collection method: clinical testing. Allele origin: germline. Affected: yes.
Comment: The C379Y variant in the GNAS gene has not been reported previously as a pathogenic variant, nor as a benign variant, to our knowledge. The C379Y variant was not observed in approximately 6,500 individuals of European and African American ancestry in the NHLBI Exome Sequencing Project, indicating it is not a common benign variant in these populations. The C379Y variant is a non-conservative amino acid substitution, which is likely to impact secondary protein structure as these residues differ in polarity, charge, size and/or other properties. This substitution occurs at a position that is conserved across species. In silico analysis predicts this variant is probably damaging to the protein structure/function. Therefore, we interpret C379Y as a likely pathogenic variant.